The following is an entry in ClinVar:

ClinVar aggregate classification (germline): Uncertain significance (1 of 4 stars; one submission).

Conditions:
Cardiovascular phenotype. Identifiers: MedGen CN230736.

Submission:

Ambry Genetics
Classification: Uncertain significance for Cardiovascular phenotype. Last evaluated: 2022-11-04. Review status: criteria provided, single submitter. Criteria: Ambry Variant Classification Scheme 2023. Collection method: clinical testing. Allele origin: germline.
Comment: The p.Q718H variant (also known as c.2154A>C), located in coding exon 41 of the TRDN gene, results from an A to C substitution at nucleotide position 2154. The glutamine at codon 718 is replaced by histidine, an amino acid with highly similar properties. This amino acid position is conserved. In addition, this alteration is predicted to be tolerated by in silico analysis. Since supporting evidence is limited at this time, the clinical significance of this alteration remains unclear.

NM_006073.4(TRDN):c.2154A>C (p.Gln718His)

Gene: TRDN (triadin; minus strand). Cytogenetic location: 6q22.31.
Variant type: single nucleotide variant.
Coding change: c.2154A>C on transcript NM_006073.4 (MANE Select); coding-DNA position 2154, A replaced by C.
Protein change: p.Gln718His; replaces glutamine 718 with histidine.
Molecular consequence: missense variant.
Genome position (GRCh38, 1-based): chr6:123,218,637, T>G on the plus strand (A>C on the coding strand, the complement: TRDN is on the minus strand). VCF-style: chr6-123218637-T-G. GRCh37 (hg19) VCF-style: chr6-123539782-T-G.
Other names: short protein forms Q718H.
Identifiers: ClinVar variation 2447972 (VCV002447972.2), dbSNP rs2534836078, ClinGen allele CA365564414.